The following is an entry in ClinVar:

NM_001035.3(RYR2):c.5994T>A (p.Asp1998Glu)

Gene: RYR2 (ryanodine receptor 2; plus strand). Cytogenetic location: 1q43.
Variant type: single nucleotide variant.
Coding change: c.5994T>A on transcript NM_001035.3 (MANE Select); coding-DNA position 5994, T replaced by A.
Protein change: p.Asp1998Glu; replaces aspartic acid 1998 with glutamic acid.
Molecular consequence: missense variant.
Genome position (GRCh38, 1-based): chr1:237,623,842, T>A. VCF-style: chr1-237623842-T-A. GRCh37 (hg19) VCF-style: chr1-237787142-T-A.
Other names: short protein forms D1998E.
Identifiers: ClinVar variation 1481872 (VCV001481872.9), dbSNP rs2148649411, ClinGen allele CA345408296.

ClinVar aggregate classification (germline): Uncertain significance (1 of 4 stars; one submission).

Conditions:
Catecholaminergic polymorphic ventricular tachycardia 1. Also called: VENTRICULAR TACHYCARDIA, CATECHOLAMINERGIC POLYMORPHIC, 1, WITH OR WITHOUT ATRIAL DYSFUNCTION AND/OR DILATED CARDIOMYOPATHY; RYR2-Related Catecholaminergic Polymorphic Ventricular Tachycardia; VENTRICULAR TACHYCARDIA, STRESS-INDUCED POLYMORPHIC 1. Identifiers: Orphanet 3286, MedGen C1631597, MONDO:0011484, OMIM 604772.

Submission:

Labcorp Genetics (formerly Invitae), Labcorp
Classification: Uncertain significance for Catecholaminergic polymorphic ventricular tachycardia 1. Last evaluated: 2020-11-05. Review status: criteria provided, single submitter. Criteria: Invitae Variant Classification Sherloc (09022015). Collection method: clinical testing. Allele origin: germline.
Comment: This variant is not present in population databases (ExAC no frequency). This sequence change replaces aspartic acid with glutamic acid at codon 1998 of the RYR2 protein (p.Asp1998Glu). The aspartic acid residue is highly conserved and there is a small physicochemical difference between aspartic acid and glutamic acid. This variant has not been reported in the literature in individuals with RYR2-related conditions. In summary, the available evidence is currently insufficient to determine the role of this variant in disease. Therefore, it has been classified as a Variant of Uncertain Significance. Advanced modeling of protein sequence and biophysical properties (such as structural, functional, and spatial information, amino acid conservation, physicochemical variation, residue mobility, and thermodynamic stability) performed at Invitae indicates that this missense variant is not expected to disrupt RYR2 protein function.